The following is an entry in ClinVar:

ClinVar aggregate classification (germline): Conflicting classifications of pathogenicity. Review status: criteria provided, conflicting classifications (1 of 4 stars). 2 submissions from 2 submitters: Likely pathogenic (1); Uncertain significance (1). Last evaluated 2022-12-15.

Conditions:
Abnormality of the musculature. Identifiers: MedGen C4021745, HP:0003011.

Submissions (2):

Illumina Laboratory Services, Illumina
Classification: Uncertain significance. Last evaluated: 2022-12-15. Review status: criteria provided, single submitter. Criteria: ICSL CNVClassificationCriteria Aug2020. Collection method: clinical testing. Allele origin: unknown. Affected: yes.
Comment: The FHL1 c.461A>C (p.His154Pro) missense variant results in the substitution of histidine at amino acid position 154 with proline. The c.461A>C variant has been reported in one family with six affected individuals with FHL1-related disorders; however, the genotypes and phenotypes of most family members were not provided (PMID: 27234031). This variant is not found in version 2.1.1 or version 3.1.2 of the Genome Aggregation Database. Based on the available evidence, the c.461A>C (p.His154Pro) variant is classified as a variant of uncertain significance for FHL1-related disorders.

Kariminejad - Najmabadi Pathology & Genetics Center
Classification: Likely pathogenic for Abnormality of the musculature. Last evaluated: 2021-07-10. Review status: criteria provided, single submitter. Criteria: ACMG Guidelines, 2015. Collection method: clinical testing. Allele origin: germline. Affected: yes.

Literature cited by the submitters: PubMed 27234031 (cited by Illumina Laboratory Services, Illumina).

NM_001159699.2(FHL1):c.509A>C (p.His170Pro)

Gene: FHL1 (four and a half LIM domains 1; plus strand). Cytogenetic location: Xq26.3.
Variant type: single nucleotide variant.
Coding change: c.509A>C on transcript NM_001159699.2 (MANE Select); coding-DNA position 509, A replaced by C.
Protein change: p.His170Pro; replaces histidine 170 with proline.
Molecular consequence: missense variant. On other transcripts: non-coding transcript variant (1).
Genome position (GRCh38, 1-based): chrX:136,207,921, A>C. VCF-style: chrX-136207921-A-C. GRCh37 (hg19) VCF-style: chrX-135290080-A-C.
Other names: c.461A>C, p.His154Pro (NM_001167819.1, NM_001369326.1, NM_001369327.2 and 9 more transcripts); c.509A>C, p.His170Pro (NM_001330659.2); c.548A>C, p.His183Pro (NM_001159701.2); short protein forms H154P, H170P, H183P.
Identifiers: ClinVar variation 1180813 (VCV001180813.4), dbSNP rs1484795726, ClinGen allele CA414608580.